The following is an entry in ClinVar:

ClinVar aggregate classification (germline): Likely benign (1 of 4 stars; one submission).

Conditions:
LAMA4-related disorder. Also called: LAMA4-related condition.

Submission:

PreventionGenetics, part of Exact Sciences
Classification: Likely benign for LAMA4-related condition. Last evaluated: 2026-02-19. Review status: criteria provided, single submitter. Criteria: ACMG Guidelines, 2015. Collection method: clinical testing. Allele origin: germline.
Comment: This variant is classified as likely benign based on ACMG/AMP sequence variant interpretation guidelines (Richards et al. 2015 PMID: 25741868, with internal and published modifications).

NM_001105206.3(LAMA4):c.288A>T (p.Gly96=)

Gene: LAMA4 (laminin subunit alpha 4; minus strand). Cytogenetic location: 6q21.
Variant type: single nucleotide variant.
Coding change: c.288A>T on transcript NM_001105206.3 (MANE Select); coding-DNA position 288, A replaced by T.
Protein change: p.Gly96=; no amino-acid change (glycine 96 retained).
Molecular consequence: synonymous variant.
Genome position (GRCh38, 1-based): chr6:112,216,377, T>A on the plus strand (A>T on the coding strand, the complement: LAMA4 is on the minus strand). VCF-style: chr6-112216377-T-A. GRCh37 (hg19) VCF-style: chr6-112537578-T-A.
Other names: c.288A>T, p.Gly96= (NM_001105207.3, NM_002290.5).
Identifiers: ClinVar variation 4988750 (VCV004988750.1).
Genomic context (GRCh38, chr6:112,216,377, plus strand): 5'-GATGCAAATGCCCAGTGAAGTACGTGAAGTGTTATAGGTGCCCCAACTTACCACACAGTA[T>A]CCTGAGCCGTCCAAACACTCGTTGGAATTGCCATTACAGTCGCAGGGCACACATTCTCCC-3'
Protein context (NP_001098676.2, residues 86-106): GNSNECLDGS[Gly96=]YCVHCQRNTT